The following is an entry in ClinVar:

NC_000017.11:g.(?_43051057)_(43051123_?)del

Gene: BRCA1 (BRCA1 DNA repair associated; minus strand). Cytogenetic location: 17q21.31.
Variant type: Deletion.
Identifiers: ClinVar variation 531566 (VCV000531566.1).

ClinVar aggregate classification (germline): Pathogenic (1 of 4 stars; one submission).

Conditions:
Hereditary breast ovarian cancer syndrome. Also called: Hereditary breast and ovarian cancer syndrome (HBOC); BRCA1- and BRCA2-Associated Hereditary Breast and Ovarian Cancer; Hereditary breast and ovarian cancer syndrome; Breast and ovarian cancer; Hereditary breast and ovarian cancer; Hereditary breast and/or ovarian cancer syndrome. Identifiers: Orphanet 145, MedGen C0677776, MeSH D061325, MONDO:0003582. Disease mechanism: loss of function.

Submission:

Labcorp Genetics (formerly Invitae), Labcorp
Classification: Pathogenic for Hereditary breast and ovarian cancer syndrome. Last evaluated: 2018-02-28. Review status: criteria provided, single submitter. Criteria: Invitae Variant Classification Sherloc (09022015). Collection method: clinical testing. Allele origin: germline.
Comment: This variant is an out-of-frame deletion of the genomic region encompassing exon 20 of the BRCA1 gene. This is expected to create a premature translational stop signal and result in an absent or disrupted protein product. This variant has not been reported in the literature in individuals with BRCA1-related disease. Loss-of-function variants in BRCA1 are known to be pathogenic (PMID: 20104584). For these reasons, this variant has been classified as Pathogenic.